The following is an entry in ClinVar:

NM_181705.4(LYRM7):c.185T>C (p.Val62Ala)

Gene: LYRM7 (LYR motif containing 7; plus strand). Cytogenetic location: 5q23.3.
Variant type: single nucleotide variant.
Coding change: c.185T>C on transcript NM_181705.4 (MANE Select); coding-DNA position 185, T replaced by C.
Protein change: p.Val62Ala; replaces valine 62 with alanine.
Molecular consequence: missense variant. On other transcripts: intron variant (1).
Genome position (GRCh38, 1-based): chr5:131,187,050, T>C. VCF-style: chr5-131187050-T-C. GRCh37 (hg19) VCF-style: chr5-130522743-T-C.
Other names: c.162+4751T>C (NM_001293735.2); short protein forms V62A.
Identifiers: ClinVar variation 1970603 (VCV001970603.5), dbSNP rs1017347784, ClinGen allele CA127817689.

ClinVar aggregate classification (germline): Uncertain significance (1 of 4 stars; one submission).

Allele frequency attached by ClinVar (database versions not stated): gnomAD exomes below 0.00001; TOPMed below 0.00001; gnomAD 0.00001.
gnomAD v4.1: 3 of 1,558,642 alleles (0.00019%); highest among the groups gnomAD compares: Non-Finnish European, 0.00026%; no homozygotes.

Submission:

Labcorp Genetics (formerly Invitae), Labcorp
Classification: Uncertain significance. Last evaluated: 2022-06-28. Review status: criteria provided, single submitter. Criteria: Invitae Variant Classification Sherloc (09022015). Collection method: clinical testing. Allele origin: germline.
Comment: Algorithms developed to predict the effect of missense changes on protein structure and function (SIFT, PolyPhen-2, Align-GVGD) all suggest that this variant is likely to be disruptive. In summary, the available evidence is currently insufficient to determine the role of this variant in disease. Therefore, it has been classified as a Variant of Uncertain Significance. This sequence change replaces valine, which is neutral and non-polar, with alanine, which is neutral and non-polar, at codon 62 of the LYRM7 protein (p.Val62Ala). This variant is present in population databases (no rsID available, gnomAD 0.003%). This variant has not been reported in the literature in individuals affected with LYRM7-related conditions.